The following is an entry in ClinVar:

NM_000218.3(KCNQ1):c.1126C>T (p.Gln376Ter)

Gene: KCNQ1 (potassium voltage-gated channel subfamily Q member 1; plus strand). Cytogenetic location: 11p15.5.
Variant type: single nucleotide variant.
Coding change: c.1126C>T on transcript NM_000218.3 (MANE Select); coding-DNA position 1126, C replaced by T.
Protein change: p.Gln376Ter; replaces glutamine 376 with a stop codon.
Molecular consequence: nonsense.
Genome position (GRCh38, 1-based): chr11:2,585,305, C>T. VCF-style: chr11-2585305-C-T. GRCh37 (hg19) VCF-style: chr11-2606535-C-T.
Other names: c.856C>T, p.Gln286Ter (NM_001406837.1); c.745C>T, p.Gln249Ter (NM_181798.2); short protein forms Q249*, Q376*, Q286*.
Identifiers: ClinVar variation 620198 (VCV000620198.19), dbSNP rs1564825414, ClinGen allele CA379133980.

ClinVar aggregate classification (germline): Pathogenic. Review status: criteria provided, multiple submitters, no conflicts (2 of 4 stars). 5 submissions from 5 submitters: Pathogenic (5). Last evaluated 2025-10-03.

Conditions:
Long QT syndrome (LQTS). Identifiers: MedGen C0023976, MeSH D008133, MONDO:0002442. Disease mechanism: loss of function. Inheritance: Various modes of inheritance.
Cardiovascular phenotype. Identifiers: MedGen CN230736.
Long QT syndrome 1 (LQT1). Identifiers: Orphanet 101016, Orphanet 768, MedGen C4551647, MONDO:0100316, OMIM 192500, MONDO:0008646.

Submissions (5):

GeneDx
Classification: Pathogenic. Last evaluated: 2025-10-03. Review status: criteria provided, single submitter. Criteria: GeneDx Variant Classification Process June 2021. Collection method: clinical testing. Allele origin: germline. Affected: yes.
Comment: Nonsense variant predicted to result in protein truncation or nonsense mediated decay in a gene for which loss of function is a known mechanism of disease; Not observed at significant frequency in large population cohorts (gnomAD); This variant is associated with the following publications: (PMID: 28212739)

Ambry Genetics
Classification: Pathogenic for Cardiovascular phenotype. Last evaluated: 2025-06-16. Review status: criteria provided, single submitter. Criteria: Ambry Variant Classification Scheme 2023. Collection method: clinical testing. Allele origin: germline.
Comment: The p.Q376* variant (also known as c.1126C>T), located in coding exon 8 of the KCNQ1 gene, results from a C to T substitution at nucleotide position 1126. This changes the amino acid from a glutamine to a stop codon within coding exon 8. This variant was reported in individual(s) with features consistent with long QT syndrome (Robyns T et al. Heart Rhythm, 2017 Mar;14:376-382; Murphy J et al. Ir J Med Sci. 2024 Aug;193(4):1775-1785; Ambry internal data). This variant is considered to be rare based on population cohorts in the Genome Aggregation Database (gnomAD). This alteration is expected to result in loss of function by premature protein truncation or nonsense-mediated mRNA decay. As such, this alteration is interpreted as a disease-causing mutation.

Victorian Clinical Genetics Services, Murdoch Childrens Research Institute
Classification: Pathogenic for Long QT syndrome 1. Last evaluated: 2024-09-22. Review status: criteria provided, single submitter. Criteria: ACMG Guidelines, 2015. Collection method: clinical testing. Allele origin: germline. Inheritance: Autosomal dominant inheritance. Affected: yes.
Comment: Based on the classification scheme VCGS_Germline_v1.3.4, this variant is classified as Pathogenic. Following criteria are met: 0103 - Dominant negative, loss of function and gain of function are known mechanisms of disease in this gene. Gain of function variants result exclusively in short QT syndrome (MIM#609621), while dominant negative and loss of function variants can cause long QT syndrome (LQTS, MIM#192500), atrial fibrillation (MIM#607554) and Jervell and Lange-Nielsen syndrome (JLNS, MIM#220400) (OMIM, PMID: 19632626, 28438721). (I) 0108 - This gene is known to be associated with both recessive and dominant disease. JLNS is characterized by congenital, bilateral deafness and variable degrees of QT prolongation, and is the only condition caused by biallelic variants (PMID: 28438721). (I) 0112 - The condition associated with this gene has incomplete penetrance (OMIM, PMID: 20301308). (I) 0201 - Variant is predicted to cause nonsense-mediated decay (NMD) and loss of protein (premature termination codon is located at least 54 nucleotides upstream of the final exon-exon junction). (SP) 0251 - This variant is heterozygous. (I) 0301 - Variant is absent from gnomAD (both v2 and v3). (SP) 0701 - Many other NMD-predicted variants comparable to the one identified in this case have very strong previous evidence for pathogenicity (DECIPHER). (SP) 0802 - This variant has moderate previous evidence of pathogenicity in unrelated individuals. This variant has been classified as pathogenic by multiple clinical laboratories in ClinVar, and has been observed in an individual with LQTS (PMID: 28212739). (SP) 1007 - No published functional evidence has been identified for this variant. (I) 1208 - Inheritance information for this variant is not currently available in this individual. (I) Legend: (SP) - Supporting pathogenic, (I) - Information, (SB) - Supporting benign

Molecular Genetics Laboratory - Cardiogenetics, CHU de Nantes
Classification: Pathogenic for Long QT syndrome 1. Last evaluated: 2023-08-01. Review status: criteria provided, single submitter. Criteria: ACMG Guidelines, 2015. Collection method: clinical testing. Allele origin: germline. Affected: yes.

Labcorp Genetics (formerly Invitae), Labcorp
Classification: Pathogenic for Long QT syndrome. Last evaluated: 2019-04-03. Review status: criteria provided, single submitter. Criteria: Invitae Variant Classification Sherloc (09022015). Collection method: clinical testing. Allele origin: germline.
Comment: This variant has been observed in an individual affected with long QT syndrome (PMID: 28212739). This sequence change creates a premature translational stop signal (p.Gln376*) in the KCNQ1 gene. It is expected to result in an absent or disrupted protein product. This variant is not present in population databases (ExAC no frequency). Loss-of-function variants in KCNQ1 are known to be pathogenic (PMID: 9323054, 19862833). For these reasons, this variant has been classified as Pathogenic.

Literature cited by the submitters: PubMed 28212739 (cited by 3 submitters); PubMed 38489124 (cited by Ambry Genetics); PubMed 19632626 (cited by Victorian Clinical Genetics Services, Murdoch Childrens Research Institute); PubMed 20301308 (cited by Victorian Clinical Genetics Services, Murdoch Childrens Research Institute); PubMed 28438721 (cited by Victorian Clinical Genetics Services, Murdoch Childrens Research Institute); PubMed 9323054 (cited by Labcorp Genetics (formerly Invitae), Labcorp); PubMed 19862833 (cited by Labcorp Genetics (formerly Invitae), Labcorp).